The following is an entry in ClinVar:

ClinVar aggregate classification (germline): Likely pathogenic (1 of 4 stars; one submission).

Conditions:
Primary hyperoxaluria, type II (HP2). Also called: GLYCERIC ACIDURIA; GLYOXYLATE REDUCTASE/HYDROXYPYRUVATE REDUCTASE DEFICIENCY; OXALOSIS II; Primary hyperoxaluria type 2; D-GLYCERATE DEHYDROGENASE DEFICIENCY. Identifiers: Orphanet 416, Orphanet 93599, MedGen C0268165, MONDO:0009824, OMIM 260000. Disease mechanism: loss of function.

Submission:

Myriad Genetics, Inc.
Classification: Likely pathogenic for Primary hyperoxaluria, type II. Last evaluated: 2019-09-26. Review status: criteria provided, single submitter. Criteria: Myriad Women's Health Autosomal Recessive and X-Linked Classification Criteria (2019). Collection method: clinical testing. Allele origin: unknown.
Comment: NM_012203.1(GRHPR):c.457C>T(Q153*) is expected to be pathogenic in the context of primary hyperoxaluria type 2. This variant is predicted to lead to an abnormal or absent protein product due to the creation of a premature termination codon in GRHPR, a gene where loss-of-function variants are known to be pathogenic. Please note: this variant was assessed in the context of healthy population screening.

NM_012203.2(GRHPR):c.457C>T (p.Gln153Ter)

Gene: GRHPR (glyoxylate and hydroxypyruvate reductase; plus strand). Cytogenetic location: 9p13.2.
Variant type: single nucleotide variant.
Coding change: c.457C>T on transcript NM_012203.2 (MANE Select); coding-DNA position 457, C replaced by T.
Protein change: p.Gln153Ter; replaces glutamine 153 with a stop codon.
Molecular consequence: nonsense.
Genome position (GRCh38, 1-based): chr9:37,428,536, C>T. VCF-style: chr9-37428536-C-T. GRCh37 (hg19) VCF-style: chr9-37428533-C-T.
Other names: short protein forms Q153*.
Identifiers: ClinVar variation 984354 (VCV000984354.3), dbSNP rs1341484544, ClinGen allele CA373442781.